The following is an entry in ClinVar:

NM_007294.4(BRCA1):c.2239C>A (p.Pro747Thr)

Gene: BRCA1 (BRCA1 DNA repair associated; minus strand). Cytogenetic location: 17q21.31.
Variant type: single nucleotide variant.
Coding change: c.2239C>A on transcript NM_007294.4 (MANE Select); coding-DNA position 2239, C replaced by A.
Protein change: p.Pro747Thr; replaces proline 747 with threonine.
Molecular consequence: missense variant. On other transcripts: intron variant (137).
Genome position (GRCh38, 1-based): chr17:43,093,292, G>T on the plus strand (C>A on the coding strand, the complement: BRCA1 is on the minus strand). VCF-style: chr17-43093292-G-T. GRCh37 (hg19) VCF-style: chr17-41245309-G-T.
Other names: c.2026C>A, p.Pro676Thr (NM_001407571.1, NM_001407853.1, NM_001407894.1 and 9 more transcripts); c.2239C>A, p.Pro747Thr (NM_001407581.1, NM_001407582.1, NM_001407583.1 and 30 more transcripts); c.2236C>A, p.Pro746Thr (NM_001407587.1, NM_001407590.1, NM_001407591.1 and 22 more transcripts); c.2230C>A, p.Pro744Thr (NM_001407646.1, NM_001407647.1); c.2116C>A, p.Pro706Thr (NM_001407648.1, NM_001407664.1, NM_001407665.1 and 19 more transcripts); c.2113C>A, p.Pro705Thr (NM_001407649.1, NM_001407670.1, NM_001407671.1 and 11 more transcripts); c.2161C>A, p.Pro721Thr (NM_001407653.1, NM_001407654.1, NM_001407655.1 and 4 more transcripts); c.2158C>A, p.Pro720Thr (NM_001407659.1, NM_001407660.1, NM_001407661.1 and 1 more transcripts); and 41 more; short protein forms P579T, P658T, P699T, P705T, P721T, P451T, P659T, P679T.
Identifiers: ClinVar variation 2128273 (VCV002128273.7), dbSNP rs1555590087, ClinGen allele CA10597522.

ClinVar aggregate classification (germline): Conflicting classifications of pathogenicity. Review status: criteria provided, conflicting classifications (1 of 4 stars). 3 submissions from 3 submitters: Uncertain significance (2); Likely benign (1). Last evaluated 2024-09-13.

Conditions:
Hereditary cancer-predisposing syndrome. Also called: Hereditary neoplastic syndrome; Tumor predisposition; Hereditary Cancer Syndrome; Neoplastic Syndromes, Hereditary. Identifiers: Orphanet 140162, MedGen C0027672, MeSH D009386, MONDO:0015356.
Hereditary breast ovarian cancer syndrome. Also called: Hereditary breast and ovarian cancer syndrome; BRCA1- and BRCA2-Associated Hereditary Breast and Ovarian Cancer; Hereditary breast and ovarian cancer syndrome (HBOC); Hereditary breast and/or ovarian cancer syndrome; Hereditary breast and ovarian cancer; Breast and ovarian cancer. Identifiers: Orphanet 145, MedGen C0677776, MeSH D061325, MONDO:0003582. Disease mechanism: loss of function.

Submissions (3):

Ambry Genetics
Classification: Uncertain significance for Hereditary cancer-predisposing syndrome. Last evaluated: 2024-09-13. Review status: criteria provided, single submitter. Criteria: Ambry Variant Classification Scheme 2023. Collection method: clinical testing. Allele origin: germline.
Comment: The p.P747T variant (also known as c.2239C>A), located in coding exon 9 of the BRCA1 gene, results from a C to A substitution at nucleotide position 2239. The proline at codon 747 is replaced by threonine, an amino acid with highly similar properties. This amino acid position is conserved. In addition, the in silico prediction for this alteration is inconclusive. Based on the available evidence, the clinical significance of this variant remains unclear.

University of Washington Department of Laboratory Medicine, University of Washington
Classification: Likely benign for Hereditary cancer-predisposing syndrome. Last evaluated: 2023-03-23. Review status: criteria provided, single submitter. Criteria: Dines et al. (Genet Med. 2020). Collection method: curation. Allele origin: germline.
Comment: Missense variant in a coldspot region where missense variants are very unlikely to be pathogenic (PMID:31911673).

BRCA1 coldspot (exon 11 using historical exon numbering). Reclassification based on statistical prior probability

Labcorp Genetics (formerly Invitae), Labcorp
Classification: Uncertain significance for Hereditary breast ovarian cancer syndrome. Last evaluated: 2022-09-13. Review status: criteria provided, single submitter. Criteria: Invitae Variant Classification Sherloc (09022015). Collection method: clinical testing. Allele origin: germline.
Comment: This sequence change replaces proline, which is neutral and non-polar, with threonine, which is neutral and polar, at codon 747 of the BRCA1 protein (p.Pro747Thr). This variant is not present in population databases (gnomAD no frequency). This variant has not been reported in the literature in individuals affected with BRCA1-related conditions. Advanced modeling of protein sequence and biophysical properties (such as structural, functional, and spatial information, amino acid conservation, physicochemical variation, residue mobility, and thermodynamic stability) performed at Invitae indicates that this missense variant is not expected to disrupt BRCA1 protein function. In summary, the available evidence is currently insufficient to determine the role of this variant in disease. Therefore, it has been classified as a Variant of Uncertain Significance.